The following is an entry in ClinVar:

ClinVar aggregate classification (germline): Uncertain significance. Review status: criteria provided, multiple submitters, no conflicts (2 of 4 stars). 2 submissions from 2 submitters: Uncertain significance (2). Last evaluated 2025-08-29.

Conditions:
Hypophosphatasia. Also called: Phosphoethanol-aminuria. Identifiers: Orphanet 436, MedGen C0020630, MeSH D007014, MONDO:0018570.

Submissions (2):

Genomenon, Inc
Classification: Uncertain significance for Hypophosphatasia. Last evaluated: 2025-08-29. Review status: criteria provided, single submitter. Criteria: Genomenon Sequence Variant Interpretation Standards. Collection method: curation. Allele origin: germline. Affected: yes.
Comment: ALPL Met484Thr (c.1451T>C) is a missense variant that changes the amino acid at residue 484 from Methionine to Threonine. This variant has been observed in a proband affected with hypophosphatasia (PMID:38884565). It is absent or not present at a significant frequency in gnomAD. In silico models agree that this variant is possibly or probably damaging. In conclusion, we classify ALPL p.Met484Thr (c.1451T>C) as a variant of unknown significance.

JKU Lab, Dept of Paediatrics, Johannes Kepler University
Classification: Uncertain significance for Hypophosphatasia. Last evaluated: 2024-08-13. Review status: criteria provided, single submitter. Criteria: ACMG Guidelines, 2015. Collection method: clinical testing. Allele origin: germline. Affected: yes.
Comment: The variant is absent from GnomAD. The ACMG criteria applied can be looked up in the ALPL gene variant database. Functional testing was undertaken at the JKU laboratory.

Literature cited by the submitters: PubMed 38884565 (cited by Genomenon, Inc and JKU Lab, Dept of Paediatrics, Johannes Kepler University).

NM_000478.6(ALPL):c.1451T>C (p.Met484Thr)

Gene: ALPL (alkaline phosphatase, biomineralization associated; plus strand). Cytogenetic location: 1p36.12.
Variant type: single nucleotide variant.
Coding change: c.1451T>C on transcript NM_000478.6 (MANE Select); coding-DNA position 1451, T replaced by C.
Protein change: p.Met484Thr; replaces methionine 484 with threonine.
Molecular consequence: missense variant.
Genome position (GRCh38, 1-based): chr1:21,577,524, T>C. VCF-style: chr1-21577524-T-C. GRCh37 (hg19) VCF-style: chr1-21904017-T-C.
Other names: c.1286T>C, p.Met429Thr (NM_001127501.4); c.1220T>C, p.Met407Thr (NM_001177520.3); c.1451T>C, p.Met484Thr (NM_001369803.2, NM_001369804.2, NM_001369805.2); short protein forms M407T, M429T, M484T.
Identifiers: ClinVar variation 3336843 (VCV003336843.2).